The following is an entry in ClinVar:

ClinVar aggregate classification (germline): Uncertain significance (1 of 4 stars; one submission).

Conditions:
Primary ciliary dyskinesia. Also called: Ciliary dyskinesia. Identifiers: Orphanet 244, MedGen C0008780, MONDO:0016575, HP:0012265.

Allele frequency attached by ClinVar (database versions not stated): gnomAD exomes below 0.00001.
gnomAD v4.1: 4 of 1,613,752 alleles (0.00025%); highest among the groups gnomAD compares: Non-Finnish European, 0.00034%; no homozygotes.

Submission:

Labcorp Genetics (formerly Invitae), Labcorp
Classification: Uncertain significance for Primary ciliary dyskinesia. Last evaluated: 2022-03-11. Review status: criteria provided, single submitter. Criteria: Invitae Variant Classification Sherloc (09022015). Collection method: clinical testing. Allele origin: germline.
Comment: This sequence change replaces isoleucine, which is neutral and non-polar, with threonine, which is neutral and polar, at codon 600 of the DNAH5 protein (p.Ile600Thr). This variant is present in population databases (no rsID available, gnomAD 0.0009%). This variant has not been reported in the literature in individuals affected with DNAH5-related conditions. Advanced modeling of protein sequence and biophysical properties (such as structural, functional, and spatial information, amino acid conservation, physicochemical variation, residue mobility, and thermodynamic stability) performed at Invitae indicates that this missense variant is not expected to disrupt DNAH5 protein function. In summary, the available evidence is currently insufficient to determine the role of this variant in disease. Therefore, it has been classified as a Variant of Uncertain Significance.

NM_001369.3(DNAH5):c.1799T>C (p.Ile600Thr)

Gene: DNAH5 (dynein axonemal heavy chain 5; minus strand). Cytogenetic location: 5p15.2.
Variant type: single nucleotide variant.
Coding change: c.1799T>C on transcript NM_001369.3 (MANE Select); coding-DNA position 1799, T replaced by C.
Protein change: p.Ile600Thr; replaces isoleucine 600 with threonine.
Molecular consequence: missense variant.
Genome position (GRCh38, 1-based): chr5:13,901,505, A>G on the plus strand (T>C on the coding strand, the complement: DNAH5 is on the minus strand). VCF-style: chr5-13901505-A-G. GRCh37 (hg19) VCF-style: chr5-13901614-A-G.
Other names: short protein forms I600T.
Identifiers: ClinVar variation 2188760 (VCV002188760.1), dbSNP rs1168408091, ClinGen allele CA359206691.
Genomic context (GRCh38, chr5:13,901,505, plus strand): 5'-TGGTTTCGAGCCAGAGGAGGATCGTATTTCTGCTTTGTATACAGCTTTGAAATCATATCA[A>G]TGTCAGCCCCATAGTTCTCAAGGATAAGTTGATATTTGTCATCAATACCAAGATTAGGTA-3'
Protein context (NP_001360.1, residues 590-610): QLILENYGAD[Ile600Thr]DMISKLYTKQ